The following is an entry in ClinVar:

NM_014014.5(SNRNP200):c.4721T>C (p.Ile1574Thr)

Gene: SNRNP200 (small nuclear ribonucleoprotein U5 subunit 200; minus strand). Cytogenetic location: 2q11.2.
Variant type: single nucleotide variant.
Coding change: c.4721T>C on transcript NM_014014.5 (MANE Select); coding-DNA position 4721, T replaced by C.
Protein change: p.Ile1574Thr; replaces isoleucine 1574 with threonine.
Molecular consequence: missense variant.
Genome position (GRCh38, 1-based): chr2:96,283,577, A>G on the plus strand (T>C on the coding strand, the complement: SNRNP200 is on the minus strand). VCF-style: chr2-96283577-A-G. GRCh37 (hg19) VCF-style: chr2-96949315-A-G.
Other names: short protein forms I1574T.
Identifiers: ClinVar variation 618377 (VCV000618377.18), dbSNP rs199736893, ClinGen allele CA1778155.

ClinVar aggregate classification (germline): Conflicting classifications of pathogenicity. Review status: criteria provided, conflicting classifications (1 of 4 stars). 5 submissions from 5 submitters: Uncertain significance (3); Benign (1); Likely benign (1). Last evaluated 2025-08-21.

Conditions:
Retinal dystrophy. Also called: Inherited retinal dystrophy. Identifiers: Orphanet 71862, MedGen C0854723, MeSH D058499, MONDO:0019118, HP:0000556.
Retinitis pigmentosa (RP). Identifiers: Orphanet 791, MedGen C0035334, MeSH D012174, MONDO:0019200, OMIM 268000. Inheritance: Autosomal dominant, autosomal recessive and X linked inheritance.

Allele frequency attached by ClinVar (database versions not stated): gnomAD 0.00001; gnomAD exomes 0.00004 and 0.00005; ExAC 0.00006; 1000 Genomes Project 30x 0.00016; 1000 Genomes Project 0.00020.
gnomAD v4.1: 66 of 1,614,114 alleles (0.0041%); highest among the groups gnomAD compares: East Asian, 0.14%; no homozygotes.

Submissions (5):

Labcorp Genetics (formerly Invitae), Labcorp
Classification: Likely benign. Last evaluated: 2025-08-21. Review status: criteria provided, single submitter. Criteria: Invitae Variant Classification Sherloc (09022015). Collection method: clinical testing. Allele origin: germline.

Dept Of Ophthalmology, Nagoya University
Classification: Benign for Retinal dystrophy. Last evaluated: 2023-10-01. Review status: criteria provided, single submitter. Criteria: Submitter's publication. Collection method: research. Allele origin: germline. Affected: yes.

Blueprint Genetics
Classification: Uncertain significance. Last evaluated: 2021-05-26. Review status: criteria provided, single submitter. Criteria: ACMG Guidelines, 2015. Collection method: clinical testing. Allele origin: germline.

ARUP Laboratories, Molecular Genetics and Genomics, ARUP Laboratories
Classification: Uncertain significance. Last evaluated: 2018-05-15. Review status: criteria provided, single submitter. Criteria: ARUP Molecular Germline Variant Investigation Process. Collection method: clinical testing. Allele origin: germline.
Comment: The SNRNP200 c.4721T>C; p.Ile1574Thr variant (rs199736893), to our knowledge, is not reported in the medical literature or in gene-specific databases. This variant is found in the East Asian population with an overall allele frequency of 0.06% (11/17248 alleles) in the Genome Aggregation Database. The isoleucine at codon 1574 is conserved across species but computational analyses (SIFT, PolyPhen-2) predict that this variant is tolerated. Considering available information, this variant cannot be classified with certainty. Pathogenic SNRNP200 variants are causative for autosomal dominant retinitis pigmentosa (MIM: 610359).

Illumina Laboratory Services, Illumina
Classification: Uncertain significance for Retinitis pigmentosa. Last evaluated: 2018-01-13. Review status: criteria provided, single submitter. Criteria: ICSL Variant Classification Criteria 13 December 2019. Collection method: clinical testing. Allele origin: germline.